The following is an entry in ClinVar:

NM_001128840.3(CACNA1D):c.2363A>G (p.Asn788Ser)

Gene: CACNA1D (calcium voltage-gated channel subunit alpha1 D; plus strand). Cytogenetic location: 3p21.1.
Variant type: single nucleotide variant.
Coding change: c.2363A>G on transcript NM_001128840.3 (MANE Select); coding-DNA position 2363, A replaced by G.
Protein change: p.Asn788Ser; replaces asparagine 788 with serine.
Molecular consequence: missense variant.
Genome position (GRCh38, 1-based): chr3:53,731,103, A>G. VCF-style: chr3-53731103-A-G. GRCh37 (hg19) VCF-style: chr3-53765130-A-G.
Other names: c.2423A>G, p.Asn808Ser (NM_000720.4); c.2363A>G, p.Asn788Ser (NM_001128839.3); short protein forms N788S, N808S.
Identifiers: ClinVar variation 3685177 (VCV003685177.2).
Genomic context (GRCh38, chr3:53,731,103, plus strand): 5'-TTTGGTTTCTTGTGCTCTTTTCTCTTCTCTTTAGAAAAGAGAGCCTAGAAAATAAAAAGA[A>G]CAACAAACCAGAAGTCAACCAGATAGCCAACAGTGACAACAAGGTATGTATTCTAAGATG-3'
Protein context (NP_001122312.1, residues 778-798): ARKESLENKK[Asn788Ser]NKPEVNQIAN

ClinVar aggregate classification (germline): Uncertain significance (1 of 4 stars; one submission).

gnomAD v4.1: 1 of 1,610,970 alleles (0.000062%); highest among the groups gnomAD compares: South Asian, 0.0011%; no homozygotes.

Submission:

Labcorp Genetics (formerly Invitae), Labcorp
Classification: Uncertain significance. Last evaluated: 2024-11-27. Review status: criteria provided, single submitter. Criteria: Invitae Variant Classification Sherloc (09022015). Collection method: clinical testing. Allele origin: germline.
Comment: This sequence change replaces asparagine, which is neutral and polar, with serine, which is neutral and polar, at codon 808 of the CACNA1D protein (p.Asn808Ser). This variant is present in population databases (rs765063366, gnomAD 0.003%). This variant has not been reported in the literature in individuals affected with CACNA1D-related conditions. An algorithm developed to predict the effect of missense changes on protein structure and function (PolyPhen-2) suggests that this variant is likely to be tolerated. In summary, the available evidence is currently insufficient to determine the role of this variant in disease. Therefore, it has been classified as a Variant of Uncertain Significance.